The following is an entry in ClinVar:

ClinVar aggregate classification (germline): Conflicting classifications of pathogenicity. Review status: criteria provided, conflicting classifications (1 of 4 stars). 4 submissions from 2 submitters: Uncertain significance (1); Benign (1); Likely benign (2). Last evaluated 2025-01-13.

Conditions:
Osteogenesis imperfecta type I (OI1). Also called: OI, TYPE I; OSTEOGENESIS IMPERFECTA TARDA; OSTEOGENESIS IMPERFECTA WITH BLUE SCLERAE; Osteogenesis imperfecta type 1; Lobstein's Disease; Lobstein disease. Identifiers: Orphanet 216796, Orphanet 666, MedGen C0023931, MONDO:0008146, OMIM 166200. Disease mechanism: loss of function.
Osteogenesis imperfecta (OI). Identifiers: Orphanet 666, MedGen C0029434, MeSH D010013, MONDO:0019019.
Ehlers-Danlos syndrome, arthrochalasia type. Also called: ARTHROCHALASIS MULTIPLEX CONGENITA; EDS VII, MUTANT PROCOLLAGEN TYPE; EDS VIIA; Ehlers-Danlos syndrome, arthrochalasia type, 1; Ehlers-Danlos syndrome, arthrochalasis type. Identifiers: Orphanet 1899, Orphanet 99875, Orphanet 99876, MedGen C4551623, MONDO:0007525, OMIM 130060.
Infantile cortical hyperostosis. Also called: Caffey Disease; Hyperostosis, Cortical, Congenital; P1PK BLOOD GROUP SYSTEM, P(2) PHENOTYPE. Identifiers: Orphanet 1310, MedGen C0020497, MONDO:0007244, OMIM 114000.

Allele frequency attached by ClinVar (database versions not stated): TOPMed below 0.00001; gnomAD 0.00001; ExAC 0.00002; gnomAD exomes 0.00002.
gnomAD v4.1: 13 of 1,613,998 alleles (0.00081%); highest among the groups gnomAD compares: East Asian, 0.029%; no homozygotes.

Submissions (4):

Labcorp Genetics (formerly Invitae), Labcorp
Classification: Likely benign for Osteogenesis imperfecta type I. Last evaluated: 2025-01-13. Review status: criteria provided, single submitter. Criteria: Invitae Variant Classification Sherloc (09022015). Collection method: clinical testing. Allele origin: germline.

Illumina Laboratory Services, Illumina
Classification: Benign for Ehlers-Danlos syndrome, arthrochalasia type. Last evaluated: 2018-01-12. Review status: criteria provided, single submitter. Criteria: ICSL Variant Classification Criteria 13 December 2019. Collection method: clinical testing. Allele origin: germline.
Comment: This variant was observed in the ICSL laboratory as part of a predisposition screen in an ostensibly healthy population. It had not been previously curated by ICSL or reported in the Human Gene Mutation Database (HGMD: prior to June 1st, 2018), and was therefore a candidate for classification through an automated scoring system. Utilizing variant allele frequency, disease prevalence and penetrance estimates, and inheritance mode, an automated score was calculated to assess if this variant is too frequent to cause the disease. Based on the score and internal cut-off values, a variant classified as benign is not then subjected to further curation. The score for this variant resulted in a classification of benign for this disease.

Illumina Laboratory Services, Illumina
Classification: Likely benign for Osteogenesis imperfecta. Last evaluated: 2018-01-12. Review status: criteria provided, single submitter. Criteria: ICSL Variant Classification Criteria 13 December 2019. Collection method: clinical testing. Allele origin: germline.
Comment: This variant was observed in the ICSL laboratory as part of a predisposition screen in an ostensibly healthy population. It had not been previously curated by ICSL or reported in the Human Gene Mutation Database (HGMD: prior to June 1st, 2018), and was therefore a candidate for classification through an automated scoring system. Utilizing variant allele frequency, disease prevalence and penetrance estimates, and inheritance mode, an automated score was calculated to assess if this variant is too frequent to cause the disease. Based on the score and internal cut-off values, a variant classified as likely benign is not then subjected to further curation. The score for this variant resulted in a classification of likely benign for this disease.

Illumina Laboratory Services, Illumina
Classification: Uncertain significance for Infantile cortical hyperostosis. Last evaluated: 2018-01-12. Review status: criteria provided, single submitter. Criteria: ICSL Variant Classification Criteria 13 December 2019. Collection method: clinical testing. Allele origin: germline.

NM_000088.4(COL1A1):c.3815-10C>T

Gene: COL1A1 (collagen type I alpha 1 chain; minus strand). Cytogenetic location: 17q21.33.
Variant type: single nucleotide variant.
Coding change: c.3815-10C>T on transcript NM_000088.4 (MANE Select); 10 bases into the intron before coding-DNA position 3815, C replaced by T.
Molecular consequence: intron variant.
Genome position (GRCh38, 1-based): chr17:50,186,517, G>A on the plus strand (C>T on the coding strand, the complement: COL1A1 is on the minus strand). VCF-style: chr17-50186517-G-A. GRCh37 (hg19) VCF-style: chr17-48263878-G-A.
Identifiers: ClinVar variation 891578 (VCV000891578.9), dbSNP rs770568983, ClinGen allele CA8644331.